The following is an entry in ClinVar:

ClinVar aggregate classification (germline): Likely benign. Review status: criteria provided, multiple submitters, no conflicts (2 of 4 stars). 4 submissions from 4 submitters: Likely benign (3). 1 of the submissions does not count toward it. Last evaluated 2024-12-14.

Conditions:
PRPH2-related disorder. Also called: PRPH2-related condition; PRPH2-related disorders. Identifiers: MedGen CN239395.

Allele frequency attached by ClinVar (database versions not stated): TOPMed 0.00007; gnomAD 0.00011; 1000 Genomes Project 30x 0.00016; 1000 Genomes Project 0.00020; ESP Exome Variant Server 0.00031.
gnomAD v4.1: 59 of 1,614,140 alleles (0.0037%); highest among the groups gnomAD compares: African/African-American, 0.027%; no homozygotes.

Submissions (4):

Labcorp Genetics (formerly Invitae), Labcorp
Classification: Likely benign for PRPH2-related disorder. Last evaluated: 2024-12-14. Review status: criteria provided, single submitter. Criteria: Invitae Variant Classification Sherloc (09022015). Collection method: clinical testing. Allele origin: germline.

Blueprint Genetics
Classification: Likely benign. Last evaluated: 2022-05-20. Review status: criteria provided, single submitter. Criteria: ACMG Guidelines, 2015. Collection method: clinical testing. Allele origin: germline.

Breakthrough Genomics
Classification: Likely benign. Review status: criteria provided, single submitter. Criteria: ACMG Guidelines, 2015. Collection method: not provided. Allele origin: germline. Inheritance: Autosomal recessive inheritance. Affected: yes.

PreventionGenetics, part of Exact Sciences
Classification: Likely benign for PRPH2-related condition. Last evaluated: 2020-08-10. Review status: no assertion criteria provided. Collection method: clinical testing. Allele origin: germline. Not counted in ClinVar's aggregate classification.
Comment: This variant is classified as likely benign based on ACMG/AMP sequence variant interpretation guidelines (Richards et al. 2015 PMID: 25741868, with internal and published modifications).

NM_000322.5(PRPH2):c.300G>A (p.Pro100=)

Gene: PRPH2 (peripherin 2; minus strand). Cytogenetic location: 6p21.1.
Variant type: single nucleotide variant.
Coding change: c.300G>A on transcript NM_000322.5 (MANE Select); coding-DNA position 300, G replaced by A.
Protein change: p.Pro100=; no amino-acid change (proline 100 retained).
Molecular consequence: synonymous variant.
Genome position (GRCh38, 1-based): chr6:42,722,035, C>T on the plus strand (G>A on the coding strand, the complement: PRPH2 is on the minus strand). VCF-style: chr6-42722035-C-T. GRCh37 (hg19) VCF-style: chr6-42689773-C-T.
Identifiers: ClinVar variation 733584 (VCV000733584.15), dbSNP rs150695654, ClinGen allele CA3808637.
Genomic context (GRCh38, chr6:42,722,035, plus strand): 5'-AAAGCAGCAGAGAGCCACAAGGAAGAGGATGATGTTGAAGAGAACACAGATAGCCAGGTA[C>T]GGCTTCAGCCAGGGCTTCCATCTGGCATACTTGGCTGGGTCCAGGGCGTCGTAGCAGATC-3'
Protein context (NP_000313.2, residues 90-110): KYARWKPWLK[Pro100=]YLAICVLFNI